The following is an entry in ClinVar:

NM_020877.5(DNAH2):c.9711C>A (p.Ala3237=)

Gene: DNAH2 (dynein axonemal heavy chain 2; plus strand). Cytogenetic location: 17p13.1.
Variant type: single nucleotide variant.
Coding change: c.9711C>A on transcript NM_020877.5 (MANE Select); coding-DNA position 9711, C replaced by A.
Protein change: p.Ala3237=; no amino-acid change (alanine 3237 retained).
Molecular consequence: synonymous variant.
Genome position (GRCh38, 1-based): chr17:7,807,568, C>A. VCF-style: chr17-7807568-C-A. GRCh37 (hg19) VCF-style: chr17-7710886-C-A.
Identifiers: ClinVar variation 3038677 (VCV003038677.2), dbSNP rs73232373, ClinGen allele CA8358805.

ClinVar aggregate classification (germline): Benign (0 of 4 stars; one submission).

Conditions:
DNAH2-related disorder. Also called: DNAH2-related condition.

Allele frequency attached by ClinVar (database versions not stated): gnomAD exomes 0.00095; ExAC 0.00337; gnomAD 0.00971; TOPMed 0.01097; 1000 Genomes Project 0.01218; ESP Exome Variant Server 0.01276; 1000 Genomes Project 30x 0.01499.
gnomAD v4.1: 2,940 of 1,611,942 alleles (0.18%); highest among the groups gnomAD compares: African/African-American, 3.4%; 48 homozygotes.

Submission:

PreventionGenetics, part of Exact Sciences
Classification: Benign for DNAH2-related condition. Last evaluated: 2019-03-20. Review status: no assertion criteria provided. Collection method: clinical testing. Allele origin: germline.
Comment: This variant is classified as benign based on ACMG/AMP sequence variant interpretation guidelines (Richards et al. 2015 PMID: 25741868, with internal and published modifications).